The following is an entry in ClinVar:

ClinVar aggregate classification (germline): not provided (0 of 4 stars; one submission).

Conditions:
Uterine leiomyoma (UL). Also called: Uterine corpus leiomyoma. Identifiers: MedGen C0042133, MONDO:0007886, OMIM 150699, HP:0000131.

Submission:

Rajkovic Lab, University of Pittsburgh
No classification provided. Condition: Leiomyoma, uterine. Review status: no classification provided. Collection method: not provided. Allele origin: somatic.
ClinVar note: Converted during submission from Associated with leiomyomas to not provided.

NM_005120.3(MED12):c.129_137del (p.Gln43_Asn46delinsHis)

Gene: MED12 (mediator complex subunit 12; plus strand). Cytogenetic location: Xq13.1.
Variant type: Deletion.
Coding change: c.129_137del on transcript NM_005120.3 (MANE Select); coding-DNA positions 129 to 137, 9 bases deleted (AGGTTTCAA; older notation c.129_137delAGGTTTCAA).
Protein change: p.Gln43_Asn46delinsHis.
Molecular consequence: inframe indel.
Genome position (GRCh38, 1-based): chrX:71,119,402-71,119,410, AGGTTTCAA deleted; deleting any 9 consecutive bases within chrX:71,119,401-71,119,410 gives the same sequence; the c. name uses the placement nearest the transcript's 3' end. VCF-style (leftmost placement, unchanged base first): chrX-71119400-CAAGGTTTCA-C. GRCh37 (hg19) VCF-style: chrX-70339250-CAAGGTTTCA-C.
Identifiers: ClinVar variation 92215 (VCV000092215.2), dbSNP rs199469691, ClinGen allele CA145559.